The following is an entry in ClinVar:

NM_001267550.2(TTN):c.100786C>T (p.Pro33596Ser)

Genes: TTN (titin; minus strand), TTN-AS1 (TTN antisense RNA 1; plus strand). Cytogenetic location: 2q31.2.
Variant type: single nucleotide variant.
Coding change: c.100786C>T on transcript NM_001267550.2 (MANE Select); coding-DNA position 100786, C replaced by T.
Protein change: p.Pro33596Ser; replaces proline 33596 with serine.
Molecular consequence: missense variant.
Genome position (GRCh38, 1-based): chr2:178,535,829, G>A on the plus strand (C>T on the coding strand, the complement: TTN is on the minus strand). VCF-style: chr2-178535829-G-A. GRCh37 (hg19) VCF-style: chr2-179400556-G-A.
Other names: c.95863C>T, p.Pro31955Ser (NM_001256850.1); c.73591C>T, p.Pro24531Ser (NM_003319.4); c.93082C>T, p.Pro31028Ser (NM_133378.4); c.73966C>T, p.Pro24656Ser (NM_133432.3); c.74167C>T, p.Pro24723Ser (NM_133437.4); short protein forms P33596S, P31955S, P24656S, P31028S, P24531S, P24723S.
Identifiers: ClinVar variation 568950 (VCV000568950.9), dbSNP rs927922351, ClinGen allele CA60960402.
Genomic context (GRCh38, chr2:178,535,829, plus strand): 5'-TGATGCTGACCACTTCACCTCGGAGAGCATGAACTGCTCCCATGCCTTCAAGAGTTTTAG[G>A]TAAGTGTATCTTAGCTGGAACTGTATCAGAAAAAAAAAAAAAAAGAATATAATTTAGCAA-3'
Protein context (NP_001254479.2, residues 33586-33606): EVEVPAKIHL[Pro33596Ser]KTLEGMGAVH

ClinVar aggregate classification (germline): Uncertain significance (1 of 4 stars; one submission).

Conditions:
Dilated cardiomyopathy 1G (CMD1G). Identifiers: Orphanet 154, MedGen C1858763, MONDO:0011400, OMIM 604145.
Autosomal recessive limb-girdle muscular dystrophy type 2J (LGMDR10). Also called: MUSCULAR DYSTROPHY, LIMB-GIRDLE, AUTOSOMAL RECESSIVE 10; Limb-girdle muscular dystrophy, type 2J. Identifiers: Orphanet 140922, MedGen C1837342, MONDO:0012127, OMIM 608807.

Allele frequency attached by ClinVar (database versions not stated): TOPMed below 0.00001.

Submission:

Labcorp Genetics (formerly Invitae), Labcorp
Classification: Uncertain significance for Dilated cardiomyopathy 1G; Autosomal recessive limb-girdle muscular dystrophy type 2J. Last evaluated: 2025-09-02. Review status: criteria provided, single submitter. Criteria: Invitae Variant Classification Sherloc (09022015). Collection method: clinical testing. Allele origin: germline.
Comment: This sequence change replaces proline, which is neutral and non-polar, with serine, which is neutral and polar, at codon 33596 of the TTN protein (p.Pro33596Ser). This variant is not present in population databases (gnomAD no frequency). This variant has not been reported in the literature in individuals affected with TTN-related conditions. ClinVar contains an entry for this variant (Variation ID: 568950). Experimental studies and prediction algorithms are not available or were not evaluated, and the functional significance of this variant is currently unknown. This variant is located in the M band of TTN (PMID: 25589632). Non-truncating variants in this region may be relevant for neuromuscular disorders, but have not been definitively shown to cause cardiomyopathy (PMID: 23975875). In summary, the available evidence is currently insufficient to determine the role of this variant in disease. Therefore, it has been classified as a Variant of Uncertain Significance.

Literature cited by the submitters: PubMed 25589632; PubMed 23975875.